The following is an entry in ClinVar:

NM_001382.4(DPAGT1):c.428A>G (p.Asn143Ser)

Gene: DPAGT1 (dolichyl-phosphate N-acetylglucosaminephosphotransferase 1; minus strand). Cytogenetic location: 11q23.3.
Variant type: single nucleotide variant.
Coding change: c.428A>G on transcript NM_001382.4 (MANE Select); coding-DNA position 428, A replaced by G.
Protein change: p.Asn143Ser; replaces asparagine 143 with serine.
Molecular consequence: missense variant.
Genome position (GRCh38, 1-based): chr11:119,100,698, T>C on the plus strand (A>G on the coding strand, the complement: DPAGT1 is on the minus strand). VCF-style: chr11-119100698-T-C. GRCh37 (hg19) VCF-style: chr11-118971408-T-C.
Other names: short protein forms N143S.
Identifiers: ClinVar variation 2413589 (VCV002413589.5), dbSNP rs752374709, ClinGen allele CA6314637.

ClinVar aggregate classification (germline): Uncertain significance. Review status: criteria provided, multiple submitters, no conflicts (2 of 4 stars). 2 submissions from 2 submitters: Uncertain significance (2). Last evaluated 2026-08-06.

Conditions:
Congenital myasthenic syndrome 13 (CMS13). Also called: Myasthenic syndrome, congenital, with tubular aggregates 2; Myasthenic syndrome, congenital, 13, with tubular aggregates. Identifiers: Orphanet 353327, Orphanet 590, MedGen C3553645, MONDO:0013883, OMIM 614750.
DPAGT1-congenital disorder of glycosylation. Also called: CONGENITAL DISORDER OF GLYCOSYLATION, TYPE Ij; CDG Ij; DPAGT1-CDG. Identifiers: Orphanet 86309, MedGen C2931004, MONDO:0011964, OMIM 608093.

Allele frequency attached by ClinVar (database versions not stated): gnomAD exomes below 0.00001; TOPMed below 0.00001; ExAC 0.00001; gnomAD 0.00001.
gnomAD v4.1: 3 of 1,614,002 alleles (0.00019%); highest among the groups gnomAD compares: Admixed American, 0.0017%; no homozygotes.

Submissions (2):

OLLIN Analises Genomicas, OLLIN
Classification: Uncertain significance for Congenital myasthenic syndrome 13. Last evaluated: 2026-08-06. Review status: criteria provided, single submitter. Criteria: ACMG Guidelines 2015 PMID 25741868. Collection method: clinical testing. Allele origin: germline. Inheritance: Autosomal recessive inheritance.
Comment: This missense variant, located in exon 3 (of 9), has been reported in ClinVar (accession VCV002413589.4) and in gnomAD with an allele frequency of 0.00019%. However, to our knowledge, it has not been reported in the scientific literature. In silico analysis predicts that this variant has a deleterious effect. According to the currently available evidence, this variant has been classified as uncertain significance (PM2_P, PP3).

Labcorp Genetics (formerly Invitae), Labcorp
Classification: Uncertain significance for Congenital myasthenic syndrome 13; DPAGT1-congenital disorder of glycosylation. Last evaluated: 2022-08-09. Review status: criteria provided, single submitter. Criteria: Invitae Variant Classification Sherloc (09022015). Collection method: clinical testing. Allele origin: germline.
Comment: In summary, the available evidence is currently insufficient to determine the role of this variant in disease. Therefore, it has been classified as a Variant of Uncertain Significance. Algorithms developed to predict the effect of sequence changes on RNA splicing suggest that this variant may create or strengthen a splice site. Algorithms developed to predict the effect of missense changes on protein structure and function (SIFT, PolyPhen-2, Align-GVGD) all suggest that this variant is likely to be tolerated. This variant has not been reported in the literature in individuals affected with DPAGT1-related conditions. This variant is present in population databases (rs752374709, gnomAD 0.0009%). This sequence change replaces asparagine, which is neutral and polar, with serine, which is neutral and polar, at codon 143 of the DPAGT1 protein (p.Asn143Ser).